The following is an entry in ClinVar:

NM_006516.4(SLC2A1):c.1154C>T (p.Pro385Leu)

Gene: SLC2A1 (solute carrier family 2 member 1; minus strand). Cytogenetic location: 1p34.2.
Variant type: single nucleotide variant.
Coding change: c.1154C>T on transcript NM_006516.4 (MANE Select); coding-DNA position 1154, C replaced by T.
Protein change: p.Pro385Leu; replaces proline 385 with leucine.
Molecular consequence: missense variant.
Genome position (GRCh38, 1-based): chr1:42,927,729, G>A on the plus strand (C>T on the coding strand, the complement: SLC2A1 is on the minus strand). VCF-style: chr1-42927729-G-A. GRCh37 (hg19) VCF-style: chr1-43393400-G-A.
Other names: short protein forms P385L.
Identifiers: ClinVar variation 521734 (VCV000521734.5), dbSNP rs1553155891, ClinGen allele CA339953989.

ClinVar aggregate classification (germline): Conflicting classifications of pathogenicity. Review status: criteria provided, conflicting classifications (1 of 4 stars). 2 submissions from 2 submitters: Likely pathogenic (1); Uncertain significance (1). Last evaluated 2023-02-14.

Conditions:
Inborn genetic diseases. Identifiers: MedGen C0950123, MeSH D030342.

Submissions (2):

GeneDx
Classification: Likely pathogenic. Last evaluated: 2023-02-14. Review status: criteria provided, single submitter. Criteria: GeneDx Variant Classification Process June 2021. Collection method: clinical testing. Allele origin: germline. Affected: yes.
Comment: In silico analysis supports that this missense variant has a deleterious effect on protein structure/function; Not observed at significant frequency in large population cohorts (gnomAD); Has not been previously published as pathogenic or benign to our knowledge

Ambry Genetics
Classification: Uncertain significance for Inborn genetic diseases. Last evaluated: 2017-05-01. Review status: criteria provided, single submitter. Criteria: Ambry exome assertion method (8-5-2015). Collection method: clinical testing. Allele origin: germline. Affected: yes. Observed: 1 variant allele.